The following is an entry in ClinVar:

NM_024422.6(DSC2):c.1426C>T (p.Gln476Ter)

Gene: DSC2 (desmocollin 2; minus strand). Cytogenetic location: 18q12.1.
Variant type: single nucleotide variant.
Coding change: c.1426C>T on transcript NM_024422.6 (MANE Select); coding-DNA position 1426, C replaced by T.
Protein change: p.Gln476Ter; replaces glutamine 476 with a stop codon.
Molecular consequence: nonsense.
Genome position (GRCh38, 1-based): chr18:31,080,190, G>A on the plus strand (C>T on the coding strand, the complement: DSC2 is on the minus strand). VCF-style: chr18-31080190-G-A. GRCh37 (hg19) VCF-style: chr18-28660156-G-A.
Other names: c.997C>T, p.Gln333Ter (NM_001406506.1, NM_001406507.1); c.1426C>T, p.Gln476Ter (NM_004949.5); short protein forms Q476*, Q333*.
Identifiers: ClinVar variation 3842522 (VCV003842522.1).

ClinVar aggregate classification (germline): Pathogenic (1 of 4 stars; one submission).

Conditions:
Cardiovascular phenotype. Identifiers: MedGen CN230736.

Submission:

Ambry Genetics
Classification: Pathogenic for Cardiovascular phenotype. Last evaluated: 2025-02-13. Review status: criteria provided, single submitter. Criteria: Ambry Variant Classification Scheme 2023. Collection method: clinical testing. Allele origin: germline.
Comment: The p.Q476* pathogenic mutation (also known as c.1426C>T), located in coding exon 10 of the DSC2 gene, results from a C to T substitution at nucleotide position 1426. This changes the amino acid from a glutamine to a stop codon within coding exon 10. This variant is considered to be rare based on population cohorts in the Genome Aggregation Database (gnomAD). This alteration is expected to result in loss of function by premature protein truncation or nonsense-mediated mRNA decay. As such, this alteration is interpreted as a disease-causing mutation.